The following is an entry in ClinVar:

ClinVar aggregate classification (germline): Uncertain significance (1 of 4 stars; one submission).

Conditions:
Epidermolysis bullosa simplex 3, localized or generalized intermediate, with BP230 deficiency (EBS3). Also called: Epidermolysis bullosa simplex, autosomal recessive 2; Epidermolysis bullosa simplex due to BP230 deficiency. Identifiers: Orphanet 412181, MedGen C3809470, MONDO:0014180, OMIM 615425.
Hereditary sensory and autonomic neuropathy type 6. Also called: HSAN VI; Neuropathy, hereditary sensory and autonomic, type VI. Identifiers: Orphanet 314381, MedGen C3539003, MONDO:0013839, OMIM 614653.

Submission:

Labcorp Genetics (formerly Invitae), Labcorp
Classification: Uncertain significance for Epidermolysis bullosa simplex 3, localized or generalized intermediate, with BP230 deficiency; Hereditary sensory and autonomic neuropathy type 6. Last evaluated: 2025-07-06. Review status: criteria provided, single submitter. Criteria: Invitae Variant Classification Sherloc (09022015). Collection method: clinical testing. Allele origin: germline.
Comment: The DST gene has multiple clinically relevant transcripts. This variant occurs in alternate transcript NM_015548.4, and corresponds to NM_001723.5:c.*80354G>A in the primary transcript. This sequence change replaces alanine, which is neutral and non-polar, with threonine, which is neutral and polar, at codon 3011 of the DST protein (p.Ala3011Thr). This variant is not present in population databases (gnomAD no frequency). This variant has not been reported in the literature in individuals affected with DST-related conditions. Experimental studies and prediction algorithms are not available or were not evaluated, and the functional significance of this variant is currently unknown. In summary, the available evidence is currently insufficient to determine the role of this variant in disease. Therefore, it has been classified as a Variant of Uncertain Significance.

NM_001374736.1(DST):c.16900G>A (p.Ala5634Thr)

Gene: DST (dystonin; minus strand). Cytogenetic location: 6p12.1.
Variant type: single nucleotide variant.
Coding change: c.16900G>A on transcript NM_001374736.1 (MANE Select); coding-DNA position 16900, G replaced by A.
Protein change: p.Ala5634Thr; replaces alanine 5634 with threonine.
Molecular consequence: missense variant.
Genome position (GRCh38, 1-based): chr6:56,535,163, C>T on the plus strand (G>A on the coding strand, the complement: DST is on the minus strand). VCF-style: chr6-56535163-C-T. GRCh37 (hg19) VCF-style: chr6-56399961-C-T.
Other names: c.10543G>A, p.Ala3515Thr (NM_001144769.5); c.10129G>A, p.Ala3377Thr (NM_001144770.2); c.16900G>A, p.Ala5634Thr (NM_001374722.1); c.16267G>A, p.Ala5423Thr (NM_001374729.1); c.10009G>A, p.Ala3337Thr (NM_001374730.1, NM_001386100.1, NM_183380.4); c.16927G>A, p.Ala5643Thr (NM_001374734.1); c.9031G>A, p.Ala3011Thr (NM_015548.5); short protein forms A3011T, A3337T, A3377T, A3515T, A5423T, A5643T, A5634T.
Identifiers: ClinVar variation 4783947 (VCV004783947.1).